The following is an entry in ClinVar:

ClinVar aggregate classification (germline): Uncertain significance (1 of 4 stars; one submission).

Submission:

GeneDx
Classification: Uncertain significance. Last evaluated: 2024-04-10. Review status: criteria provided, single submitter. Criteria: GeneDx Variant Classification Process June 2021. Collection method: clinical testing. Allele origin: germline. Affected: yes.
Comment: Not observed at significant frequency in large population cohorts (gnomAD); In silico analysis supports that this missense variant has a deleterious effect on protein structure/function; Has not been previously published as pathogenic or benign to our knowledge

NM_004972.4(JAK2):c.344G>C (p.Arg115Thr)

Genes: INSL6 (insulin like 6; minus strand), JAK2 (Janus kinase 2; plus strand). Cytogenetic location: 9p24.1.
Variant type: single nucleotide variant.
Coding change: c.344G>C on transcript NM_004972.4 (MANE Select); coding-DNA position 344, G replaced by C.
Protein change: p.Arg115Thr; replaces arginine 115 with threonine.
Molecular consequence: missense variant. On other transcripts: 5 prime UTR variant (2), non-coding transcript variant (2).
Genome position (GRCh38, 1-based): chr9:5,029,900, G>C. VCF-style: chr9-5029900-G-C. GRCh37 (hg19) VCF-style: chr9-5029900-G-C.
Other names: c.344G>C, p.Arg115Thr (NM_001322194.2, NM_001322195.2, NM_001322196.2); c.-777G>C (NM_001322198.2, NM_001322199.2); short protein forms R115T.
Identifiers: ClinVar variation 3372004 (VCV003372004.1).